The following is an entry in ClinVar:

ClinVar aggregate classification (germline): Uncertain significance (1 of 4 stars; one submission).

Submission:

Labcorp Genetics (formerly Invitae), Labcorp
Classification: Uncertain significance. Last evaluated: 2022-07-26. Review status: criteria provided, single submitter. Criteria: Invitae Variant Classification Sherloc (09022015). Collection method: clinical testing. Allele origin: germline.
Comment: ClinVar contains an entry for this variant (Variation ID: 955578). In summary, the available evidence is currently insufficient to determine the role of this variant in disease. Therefore, it has been classified as a Variant of Uncertain Significance. Advanced modeling of protein sequence and biophysical properties (such as structural, functional, and spatial information, amino acid conservation, physicochemical variation, residue mobility, and thermodynamic stability) performed at Invitae indicates that this missense variant is not expected to disrupt GRM6 protein function. This variant has not been reported in the literature in individuals affected with GRM6-related conditions. This variant is not present in population databases (gnomAD no frequency). This sequence change replaces valine, which is neutral and non-polar, with leucine, which is neutral and non-polar, at codon 594 of the GRM6 protein (p.Val594Leu).

NM_000843.4(GRM6):c.1780G>T (p.Val594Leu)

Genes: ZNF454 (zinc finger protein 454; plus strand), GRM6 (glutamate metabotropic receptor 6; minus strand). Cytogenetic location: 5q35.3.
Variant type: single nucleotide variant.
Coding change: c.1780G>T on transcript NM_000843.4 (MANE Select); coding-DNA position 1780, G replaced by T.
Protein change: p.Val594Leu; replaces valine 594 with leucine.
Molecular consequence: missense variant.
Genome position (GRCh38, 1-based): chr5:178,986,474, C>A on the plus strand (G>T on the coding strand, the complement: GRM6 is on the minus strand). VCF-style: chr5-178986474-C-A. GRCh37 (hg19) VCF-style: chr5-178413475-C-A.
Other names: short protein forms V594L.
Identifiers: ClinVar variation 955578 (VCV000955578.9), dbSNP rs779188022, ClinGen allele CA362427307.